The following is an entry in ClinVar:

NM_000334.4(SCN4A):c.4547T>C (p.Met1516Thr)

Genes: GH-LCR (growth hormone locus control region; plus strand), SCN4A (sodium voltage-gated channel alpha subunit 4; minus strand). Cytogenetic location: 17q23.3.
Variant type: single nucleotide variant.
Coding change: c.4547T>C on transcript NM_000334.4 (MANE Select); coding-DNA position 4547, T replaced by C.
Protein change: p.Met1516Thr; replaces methionine 1516 with threonine.
Molecular consequence: missense variant.
Genome position (GRCh38, 1-based): chr17:63,941,735, A>G on the plus strand (T>C on the coding strand, the complement: SCN4A is on the minus strand). VCF-style: chr17-63941735-A-G. GRCh37 (hg19) VCF-style: chr17-62019095-A-G.
Other names: short protein forms M1516T.
Identifiers: ClinVar variation 860661 (VCV000860661.9), dbSNP rs369886445, ClinGen allele CA8708946.

ClinVar aggregate classification (germline): Uncertain significance. Review status: criteria provided, multiple submitters, no conflicts (2 of 4 stars). 3 submissions from 3 submitters: Uncertain significance (3). Last evaluated 2025-12-29.

Conditions:
Hypokalemic periodic paralysis, type 1. Also called: HypoPP; Hypokalemic Periodic Paralysis Type 1 (AD). Identifiers: Orphanet 681, MedGen C3714580, MONDO:0042979, OMIM 170400.
Hyperkalemic periodic paralysis. Also called: Familial hyperkalemic periodic paralysis; Gamstorp disease. Identifiers: Orphanet 682, MedGen C0238357, MONDO:0008224, OMIM 170500, HP:0007215.
Paramyotonia congenita of Von Eulenburg. Also called: Eulenburg disease; Myotonia congenita intermittens; Von Eulenburg paramyotonia congenita; Paramyotonia Congenita; PARALYSIS PERIODICA PARAMYOTONICA. Identifiers: Orphanet 684, MedGen C0221055, MONDO:0008195, OMIM 168300. Disease mechanism: loss of function.
Hypokalemic periodic paralysis, type 2 (HOKPP2). Identifiers: Orphanet 681, MedGen C2750061, MONDO:0013234, OMIM 613345.
Potassium-aggravated myotonia. Also called: MYOTONIA CONGENITA, ACETAZOLAMIDE-RESPONSIVE; MYOTONIA CONGENITA, ATYPICAL; SODIUM CHANNEL MUSCLE DISEASE; Myotonia congenita, atypical, acetazolamide-responsive. Identifiers: Orphanet 612, Orphanet 99734, Orphanet 99735, Orphanet 99736, MedGen C2931826, MONDO:0018959, OMIM 608390.
Congenital myasthenic syndrome 16. Identifiers: Orphanet 590, MedGen C3280112, MONDO:0013620, OMIM 614198.
Inborn genetic diseases. Identifiers: MedGen C0950123, MeSH D030342.

Allele frequency attached by ClinVar (database versions not stated): gnomAD 0.00001 and 0.00002; gnomAD exomes 0.00001 and below 0.00001; ExAC 0.00002; TOPMed 0.00005; ESP Exome Variant Server 0.00008.

Submissions (3):

Labcorp Genetics (formerly Invitae), Labcorp
Classification: Uncertain significance for Hyperkalemic periodic paralysis. Last evaluated: 2025-12-29. Review status: criteria provided, single submitter. Criteria: Invitae Variant Classification Sherloc (09022015). Collection method: clinical testing. Allele origin: germline.
Comment: This sequence change replaces methionine, which is neutral and non-polar, with threonine, which is neutral and polar, at codon 1516 of the SCN4A protein (p.Met1516Thr). This variant is present in population databases (rs369886445, gnomAD 0.008%). This variant has not been reported in the literature in individuals affected with SCN4A-related conditions. ClinVar contains an entry for this variant (Variation ID: 860661). Invitae Evidence Modeling of protein sequence and biophysical properties (such as structural, functional, and spatial information, amino acid conservation, physicochemical variation, residue mobility, and thermodynamic stability) has been performed for this missense variant. However, the output from this modeling did not meet the statistical confidence thresholds required to predict the impact of this variant on SCN4A protein function. In summary, the available evidence is currently insufficient to determine the role of this variant in disease. Therefore, it has been classified as a Variant of Uncertain Significance.

Ambry Genetics
Classification: Uncertain significance for Inborn genetic diseases. Last evaluated: 2024-02-05. Review status: criteria provided, single submitter. Criteria: Ambry Variant Classification Scheme 2023. Collection method: clinical testing. Allele origin: germline.

Fulgent Genetics
Classification: Uncertain significance for Paramyotonia congenita of Von Eulenburg; Hypokalemic periodic paralysis, type 1; Hyperkalemic periodic paralysis; Potassium-aggravated myotonia; Hypokalemic periodic paralysis, type 2; Congenital myasthenic syndrome 16. Last evaluated: 2021-12-02. Review status: criteria provided, single submitter. Criteria: ACMG Guidelines, 2015. Collection method: clinical testing. Allele origin: unknown.